The following is an entry in ClinVar:

ClinVar aggregate classification (germline): Uncertain significance. Review status: criteria provided, multiple submitters, no conflicts (2 of 4 stars). 3 submissions from 3 submitters: Uncertain significance (3). Last evaluated 2025-01-11.

Conditions:
Brugada syndrome. Also called: Sudden unexpected nocturnal death syndrome; Sudden unexplained nocturnal death syndrome; Sudden Unexplained Death Syndrome; Sudden Unexplained Nocturnal Death Syndrome (SUNDS). Identifiers: Orphanet 130, MedGen C1142166, MONDO:0015263.
Cardiovascular phenotype. Identifiers: MedGen CN230736.

Allele frequency attached by ClinVar (database versions not stated): gnomAD exomes below 0.00001 and 0.00001.

Submissions (3):

Labcorp Genetics (formerly Invitae), Labcorp
Classification: Uncertain significance for Brugada syndrome. Last evaluated: 2025-01-11. Review status: criteria provided, single submitter. Criteria: Invitae Variant Classification Sherloc (09022015). Collection method: clinical testing. Allele origin: germline.
Comment: This sequence change replaces serine, which is neutral and polar, with cysteine, which is neutral and slightly polar, at codon 102 of the SCN10A protein (p.Ser102Cys). This variant is present in population databases (no rsID available, gnomAD 0.003%). This variant has not been reported in the literature in individuals affected with SCN10A-related conditions. ClinVar contains an entry for this variant (Variation ID: 1300650). Invitae Evidence Modeling of protein sequence and biophysical properties (such as structural, functional, and spatial information, amino acid conservation, physicochemical variation, residue mobility, and thermodynamic stability) indicates that this missense variant is not expected to disrupt SCN10A protein function with a negative predictive value of 80%. In summary, the available evidence is currently insufficient to determine the role of this variant in disease. Therefore, it has been classified as a Variant of Uncertain Significance.

Ambry Genetics
Classification: Uncertain significance for Cardiovascular phenotype. Last evaluated: 2023-04-04. Review status: criteria provided, single submitter. Criteria: Ambry Variant Classification Scheme 2023. Collection method: clinical testing. Allele origin: germline.
Comment: The p.S102C variant (also known as c.305C>G), located in coding exon 2 of the SCN10A gene, results from a C to G substitution at nucleotide position 305. The serine at codon 102 is replaced by cysteine, an amino acid with dissimilar properties. This amino acid position is not well conserved in available vertebrate species. In addition, the in silico prediction for this alteration is inconclusive. The evidence for this gene-disease relationship is limited; therefore, the clinical significance of this alteration is unclear.

GeneDx
Classification: Uncertain significance. Last evaluated: 2021-04-05. Review status: criteria provided, single submitter. Criteria: GeneDx Variant Classification Process June 2021. Collection method: clinical testing. Allele origin: germline. Affected: yes.
Comment: Has not been previously published as pathogenic or benign to our knowledge; Not observed at a significant frequency in large population cohorts (Lek et al., 2016); In silico analysis supports that this missense variant does not alter protein structure/function

NM_006514.4(SCN10A):c.305C>G (p.Ser102Cys)

Gene: SCN10A (sodium voltage-gated channel alpha subunit 10; minus strand). Cytogenetic location: 3p22.2.
Variant type: single nucleotide variant.
Coding change: c.305C>G on transcript NM_006514.4 (MANE Select); coding-DNA position 305, C replaced by G.
Protein change: p.Ser102Cys; replaces serine 102 with cysteine.
Molecular consequence: missense variant.
Genome position (GRCh38, 1-based): chr3:38,792,134, G>C on the plus strand (C>G on the coding strand, the complement: SCN10A is on the minus strand). VCF-style: chr3-38792134-G-C. GRCh37 (hg19) VCF-style: chr3-38833625-G-C.
Other names: c.305C>G, p.Ser102Cys (NM_001293306.2, NM_001293307.2); short protein forms S102C.
Identifiers: ClinVar variation 1300650 (VCV001300650.6), dbSNP rs866597161, ClinGen allele CA352161306.